The following is an entry in ClinVar:

ClinVar aggregate classification (germline): Pathogenic (1 of 4 stars; one submission).

Conditions:
Glycogen storage disease type III (GSD3). Also called: Cori disease; FORBES DISEASE. Identifiers: Orphanet 366, MedGen C0017922, MONDO:0009291, OMIM 232400.

Submission:

Labcorp Genetics (formerly Invitae), Labcorp
Classification: Pathogenic for Glycogen storage disease type III. Last evaluated: 2019-07-11. Review status: criteria provided, single submitter. Criteria: Invitae Variant Classification Sherloc (09022015). Collection method: clinical testing. Allele origin: germline.
Comment: This variant is not present in population databases (ExAC no frequency). For these reasons, this variant has been classified as Pathogenic. Loss-of-function variants in AGL are known to be pathogenic (PMID: 19299494). This variant has not been reported in the literature in individuals with AGL-related conditions. This sequence change creates a premature translational stop signal (p.Gly1250Trpfs*13) in the AGL gene. It is expected to result in an absent or disrupted protein product.

Literature cited by the submitters: PubMed 19299494.

NM_000642.3(AGL):c.3747dup (p.Gly1250fs)

Gene: AGL (amylo-alpha-1,6-glucosidase and 4-alpha-glucanotransferase; plus strand). Cytogenetic location: 1p21.2.
Variant type: Duplication.
Coding change: c.3747dup on transcript NM_000642.3 (MANE Select); coding-DNA position 3747, one base duplicated (T; older notation c.3747dupT).
Protein change: p.Gly1250fs; shifts the reading frame from glycine 1250.
Molecular consequence: frameshift variant.
Genome position (GRCh38, 1-based): chr1:99,910,758, T duplicated. VCF-style (leftmost placement, unchanged base first): chr1-99910757-A-AT. GRCh37 (hg19) VCF-style: chr1-100376313-A-AT.
Other names: c.3747dup, p.Gly1250Trpfs (NM_000643.3, NM_000644.3, NM_001425325.1 and 1 more transcripts); c.3699dup, p.Gly1234Trpfs (NM_000646.3); c.3369dup, p.Gly1124Trpfs (NM_001425332.1); c.3726dup, p.Gly1243Trpfs (NM_001425326.1); c.3546dup, p.Gly1183Trpfs (NM_001425327.1); c.3543dup, p.Gly1182Trpfs (NM_001425328.1); c.3408dup, p.Gly1137Trpfs (NM_001425329.1); short protein forms G1234fs, G1250fs.
Identifiers: ClinVar variation 954108 (VCV000954108.8), dbSNP rs1654690647, ClinGen allele CA1139656258.